The following is an entry in ClinVar:

NM_201253.3(CRB1):c.3898G>T (p.Glu1300Ter)

Gene: CRB1 (crumbs cell polarity complex component 1; plus strand). Cytogenetic location: 1q31.3.
Variant type: single nucleotide variant.
Coding change: c.3898G>T on transcript NM_201253.3 (MANE Select); coding-DNA position 3898, G replaced by T.
Protein change: p.Glu1300Ter; replaces glutamic acid 1300 with a stop codon.
Molecular consequence: nonsense. On other transcripts: non-coding transcript variant (2).
Genome position (GRCh38, 1-based): chr1:197,442,185, G>T. VCF-style: chr1-197442185-G-T. GRCh37 (hg19) VCF-style: chr1-197411315-G-T.
Other names: c.3562G>T, p.Glu1188Ter (NM_001193640.2); c.3826G>T, p.Glu1276Ter (NM_001257965.2); c.2290G>T, p.Glu764Ter (NM_001257966.2); short protein forms E1276*, E1188*, E1300*, E764*.
Identifiers: ClinVar variation 2944484 (VCV002944484.3), dbSNP rs2528243560, ClinGen allele CA344052443.

ClinVar aggregate classification (germline): Pathogenic (1 of 4 stars; one submission).

Conditions:
Retinitis pigmentosa 12 (RP12). Also called: RP WITH OR WITHOUT PPRPE; RP WITH OR WITHOUT PRESERVED PARAARTERIOLE RETINAL PIGMENT EPITHELIUM; RETINITIS PIGMENTOSA WITH OR WITHOUT PARAARTERIOLAR PRESERVATION OF RETINAL PIGMENT EPITHELIUM. Identifiers: Orphanet 791, MedGen C1838647, MONDO:0010818, OMIM 600105.
Leber congenital amaurosis 8 (LCA8). Identifiers: Orphanet 65, MedGen C3151202, MONDO:0013453, OMIM 613835.

Submission:

Labcorp Genetics (formerly Invitae), Labcorp
Classification: Pathogenic for Leber congenital amaurosis 8; Retinitis pigmentosa 12. Last evaluated: 2023-02-18. Review status: criteria provided, single submitter. Criteria: Invitae Variant Classification Sherloc (09022015). Collection method: clinical testing. Allele origin: germline.
Comment: This variant is not present in population databases (gnomAD no frequency). This variant has not been reported in the literature in individuals affected with CRB1-related conditions. Algorithms developed to predict the effect of sequence changes on RNA splicing suggest that this variant may disrupt the consensus splice site. For these reasons, this variant has been classified as Pathogenic. This sequence change creates a premature translational stop signal (p.Glu1300*) in the CRB1 gene. It is expected to result in an absent or disrupted protein product. Loss-of-function variants in CRB1 are known to be pathogenic (PMID: 10508521, 22065545, 23379534, 25412400, 26957898, 28041643, 29391521).

Literature cited by the submitters: PubMed 10508521; PubMed 22065545; PubMed 23379534; PubMed 25412400; PubMed 26957898; PubMed 28041643; PubMed 29391521.